The following is an entry in ClinVar:

ClinVar aggregate classification (germline): Likely benign (0 of 4 stars; one submission).

Conditions:
FOXF1-related disorder. Also called: FOXF1-related condition.

Submission:

PreventionGenetics, part of Exact Sciences
Classification: Likely benign for FOXF1-related condition. Last evaluated: 2021-05-05. Review status: no assertion criteria provided. Collection method: clinical testing. Allele origin: germline.
Comment: This variant is classified as likely benign based on ACMG/AMP sequence variant interpretation guidelines (Richards et al. 2015 PMID: 25741868, with internal and published modifications).

NM_001451.3(FOXF1):c.*1176dup

Gene: FOXF1 (forkhead box F1; plus strand). Cytogenetic location: 16q24.1.
Variant type: Duplication.
Coding change: c.*1176dup on transcript NM_001451.3 (MANE Select); 1176 bases downstream of the stop codon, one base duplicated (T; older notation c.*1176dupT).
Molecular consequence: 3 prime UTR variant.
Genome position (GRCh38, 1-based): chr16:86,514,261, T duplicated; the last of 12 consecutive T bases (chr16:86,514,250-86,514,261); duplicating any one gives the same sequence. VCF-style (leftmost placement, unchanged base first): chr16-86514249-C-CT. GRCh37 (hg19) VCF-style: chr16-86547855-C-CT.
Identifiers: ClinVar variation 3031358 (VCV003031358.2), dbSNP rs397854726, ClinGen allele CA624112362.
Genomic context (GRCh38, chr16:86,514,249, plus strand): 5'-GTAAAAACAAATTTCCATATGTTTTATATAAATATATATATAATATGAAGGACTACCCTC[C>CT]TTTTTTTTTTTTGTATTTTGGCTGCTAGAGTGCAGCATTTGTGACACGTATTTGAAATTT-3'